The following is an entry in ClinVar:

ClinVar aggregate classification (germline): Uncertain significance (1 of 4 stars; one submission).

Conditions:
Progressive myoclonic epilepsy type 8. Identifiers: Orphanet 424027, MedGen C5190825, MONDO:0014545, OMIM 616230.

Allele frequency attached by ClinVar (database versions not stated): gnomAD exomes below 0.00001; gnomAD 0.00002 and 0.00003; TOPMed 0.00004.
gnomAD v4.1: 3 of 1,612,660 alleles (0.00019%); highest among the groups gnomAD compares: African/African-American, 0.004%; no homozygotes.

Submission:

Labcorp Genetics (formerly Invitae), Labcorp
Classification: Uncertain significance for Progressive myoclonic epilepsy type 8. Last evaluated: 2020-02-10. Review status: criteria provided, single submitter. Criteria: Invitae Variant Classification Sherloc (09022015). Collection method: clinical testing. Allele origin: germline.
Comment: In summary, the available evidence is currently insufficient to determine the role of this variant in disease. Therefore, it has been classified as a Variant of Uncertain Significance. Algorithms developed to predict the effect of missense changes on protein structure and function are either unavailable or do not agree on the potential impact of this missense change (SIFT: "Tolerated"; PolyPhen-2: "Probably Damaging"; Align-GVGD: "Class C0"). This variant has not been reported in the literature in individuals with CERS1-related disease. This variant is present in population databases (rs778227106, ExAC 0.01%). This sequence change replaces proline with arginine at codon 279 of the CERS1 protein (p.Pro279Arg). The proline residue is highly conserved and there is a moderate physicochemical difference between proline and arginine.

NM_021267.5(CERS1):c.836C>G (p.Pro279Arg)

Genes: CERS1 (ceramide synthase 1; minus strand), GDF1 (growth differentiation factor 1; minus strand). Cytogenetic location: 19p13.11.
Variant type: single nucleotide variant.
Coding change: c.836C>G on transcript NM_021267.5 (MANE Select); coding-DNA position 836, C replaced by G.
Protein change: p.Pro279Arg; replaces proline 279 with arginine.
Molecular consequence: missense variant. On other transcripts: 5 prime UTR variant (1), intron variant (1).
Genome position (GRCh38, 1-based): chr19:18,879,305, G>C on the plus strand (C>G on the coding strand, the complement: CERS1 is on the minus strand). VCF-style: chr19-18879305-G-C. GRCh37 (hg19) VCF-style: chr19-18990114-G-C.
Other names: c.542C>G, p.Pro181Arg (NM_001290265.2, NM_001387442.1, NM_001387443.1 and 2 more transcripts); c.836C>G, p.Pro279Arg (NM_001387439.1, NM_001387440.1, NM_198207.3); c.791C>G, p.Pro264Arg (NM_001387441.1); c.-487C>G (NM_001492.6); c.-313+4782C>G (NM_001387438.1); short protein forms P181R, P279R, P264R.
Identifiers: ClinVar variation 663158 (VCV000663158.10), dbSNP rs778227106, ClinGen allele CA9318140.
Genomic context (GRCh38, chr19:18,879,305, plus strand): 5'-AACCAGTAGAGGTTCATAAGGGTGAGCAGCAGCAGGAGCGCATTGAAGAAGAAGTAGAAG[G>C]GGATGTCAGGCACCGTGCGCAGACTGCAGTGACTGGTGGCATACAGGACCTTGAGCGGGA-3'
Protein context (NP_067090.1, residues 269-289): HCSLRTVPDI[Pro279Arg]FYFFFNALLL